The following is an entry in ClinVar:

ClinVar aggregate classification (germline): Pathogenic (1 of 4 stars; one submission).

Submission:

Labcorp Genetics (formerly Invitae), Labcorp
Classification: Pathogenic. Last evaluated: 2020-11-03. Review status: criteria provided, single submitter. Criteria: Invitae Variant Classification Sherloc (09022015). Collection method: clinical testing. Allele origin: germline.
Comment: This sequence change creates a premature translational stop signal (p.His65Profs*25) in the RNF168 gene. It is expected to result in an absent or disrupted protein product. Loss-of-function variants in RNF168 are known to be pathogenic (PMID: 19203578, 21394101). This variant is not present in population databases (ExAC no frequency). This variant has not been reported in the literature in individuals with RNF168-related conditions. For these reasons, this variant has been classified as Pathogenic.

Literature cited by the submitters: PubMed 19203578; PubMed 21394101.

NM_152617.4(RNF168):c.194_198del (p.His65fs)

Gene: RNF168 (ring finger protein 168; minus strand). Cytogenetic location: 3q29.
Variant type: Deletion.
Coding change: c.194_198del on transcript NM_152617.4 (MANE Select); coding-DNA positions 194 to 198, 5 bases deleted (ATACC; older notation c.194_198delATACC).
Protein change: p.His65fs; shifts the reading frame from histidine 65.
Molecular consequence: frameshift variant.
Genome position (GRCh38, 1-based): chr3:196,502,976-196,502,980, GGTAT deleted on the plus strand (ATACC on the coding strand, the reverse complement: RNF168 is on the minus strand); deleting any 5 consecutive bases within chr3:196,502,976-196,502,984 gives the same sequence; the c. name uses the placement nearest the transcript's 3' end. VCF-style (leftmost placement, unchanged base first): chr3-196502975-GGGTAT-G. GRCh37 (hg19) VCF-style: chr3-196229846-GGGTAT-G.
Other names: short protein forms H65fs.
Identifiers: ClinVar variation 1436392 (VCV001436392.6), dbSNP rs2108657396, ClinGen allele CA2573136881.